The following is an entry in ClinVar:

NM_001851.6(COL9A1):c.1182_1190del (p.390PGP[2])

Genes: COL9A1 (collagen type IX alpha 1 chain; minus strand), LOC129996692 (ATAC-STARR-seq lymphoblastoid active region 24730; plus strand). Cytogenetic location: 6q13.
Variant type: Deletion.
Coding change: c.1182_1190del on transcript NM_001851.6 (MANE Select); coding-DNA positions 1182 to 1190, 9 bases deleted (CCCCCCAGG; older notation c.1182_1190delCCCCCCAGG).
Protein change: p.390PGP[2].
Molecular consequence: inframe deletion. On other transcripts: non-coding transcript variant (1).
Genome position (GRCh38, 1-based): chr6:70,270,321-70,270,329, CCTGGGGGG deleted on the plus strand (CCCCCCAGG on the coding strand, the reverse complement: COL9A1 is on the minus strand); deleting any 9 consecutive bases within chr6:70,270,321-70,270,331 gives the same sequence; the c. name uses the placement nearest the transcript's 3' end. VCF-style (leftmost placement, unchanged base first): chr6-70270320-TCCTGGGGGG-T. GRCh37 (hg19) VCF-style: chr6-70980023-TCCTGGGGGG-T.
Other names: c.453_461del, p.147PGP[2] (NM_001377289.1, NM_001377290.1, NM_078485.4).
Identifiers: ClinVar variation 283827 (VCV000283827.7), dbSNP rs757163222, ClinGen allele CA3882355.
Genomic context (GRCh38, chr6:70,270,320, plus strand): 5'-TTTTCAACCCTGACTCTCAGACACAAACAGAAATTCAAGCTGCAAATAACTTACTCTGGG[TCCTGGGGGG>T]CCAGGGGGGCCAGGTGGTCCTCTTCTCCCAGGGTCACCCTAAGTTATTTGAAAATTGCGA-3'

ClinVar aggregate classification (germline): Uncertain significance. Review status: criteria provided, multiple submitters, no conflicts (2 of 4 stars). 2 submissions from 2 submitters: Uncertain significance (2). Last evaluated 2022-08-03.

Submissions (2):

Labcorp Genetics (formerly Invitae), Labcorp
Classification: Uncertain significance. Last evaluated: 2022-08-03. Review status: criteria provided, single submitter. Criteria: Invitae Variant Classification Sherloc (09022015). Collection method: clinical testing. Allele origin: germline.
Comment: This variant, c.1182_1190del, results in the deletion of 3 amino acid(s) of the COL9A1 protein (p.Pro396_Pro398del), but otherwise preserves the integrity of the reading frame. The frequency data for this variant in the population databases is considered unreliable, as metrics indicate poor data quality at this position in the gnomAD database. This variant has not been reported in the literature in individuals affected with COL9A1-related conditions. ClinVar contains an entry for this variant (Variation ID: 283827). Experimental studies and prediction algorithms are not available or were not evaluated, and the functional significance of this variant is currently unknown. In summary, the available evidence is currently insufficient to determine the role of this variant in disease. Therefore, it has been classified as a Variant of Uncertain Significance.

Eurofins Ntd Llc (ga)
Classification: Uncertain significance. Last evaluated: 2015-10-14. Review status: criteria provided, single submitter. Criteria: EGL Classification Definitions 2015. Collection method: clinical testing. Allele origin: germline. Observed: 2 variant alleles, 2 heterozygotes.